The following is an entry in ClinVar:

NM_001029883.3(PCARE):c.2966dup (p.Val990fs)

Gene: PCARE (photoreceptor cilium actin regulator; minus strand). Cytogenetic location: 2p23.2.
Variant type: Duplication.
Coding change: c.2966dup on transcript NM_001029883.3 (MANE Select); coding-DNA position 2966, one base duplicated (C; older notation c.2966dupC).
Protein change: p.Val990fs; shifts the reading frame from valine 990.
Molecular consequence: frameshift variant.
Genome position (GRCh38, 1-based): chr2:29,071,296, G duplicated on the plus strand (C on the coding strand, the reverse complement: PCARE is on the minus strand); the first of 6 consecutive G bases (chr2:29,071,296-29,071,301); duplicating any one gives the same sequence. VCF-style (leftmost placement, unchanged base first): chr2-29071295-A-AG. GRCh37 (hg19) VCF-style: chr2-29294161-A-AG.
Other names: short protein forms V990fs.
Identifiers: ClinVar variation 1184960 (VCV001184960.5), dbSNP rs770881706, ClinGen allele CA645527698.

ClinVar aggregate classification (germline): Pathogenic. Review status: criteria provided, multiple submitters, no conflicts (2 of 4 stars). 2 submissions from 2 submitters: Pathogenic (2). Last evaluated 2025-06-11.

Submissions (2):

Labcorp Genetics (formerly Invitae), Labcorp
Classification: Pathogenic. Last evaluated: 2025-06-11. Review status: criteria provided, single submitter. Criteria: Invitae Variant Classification Sherloc (09022015). Collection method: clinical testing. Allele origin: germline.
Comment: This sequence change creates a premature translational stop signal (p.Val990Cysfs*117) in the PCARE gene. It is expected to result in an absent or disrupted protein product. Loss-of-function variants in PCARE are known to be pathogenic (PMID: 20398886, 24339724, 26496393). This variant is not present in population databases (gnomAD no frequency). This variant has not been reported in the literature in individuals affected with PCARE-related conditions. ClinVar contains an entry for this variant (Variation ID: 1184960). For these reasons, this variant has been classified as Pathogenic.

Institute of Medical Genetics and Applied Genomics, University Hospital Tübingen
Classification: Pathogenic. Last evaluated: 2021-06-17. Review status: criteria provided, single submitter. Criteria: ACMG Guidelines, 2015. Collection method: clinical testing. Allele origin: germline. Inheritance: Autosomal recessive inheritance. Affected: yes.

Literature cited by the submitters: PubMed 20398886 (cited by Labcorp Genetics (formerly Invitae), Labcorp); PubMed 24339724 (cited by Labcorp Genetics (formerly Invitae), Labcorp); PubMed 26496393 (cited by Labcorp Genetics (formerly Invitae), Labcorp).